The following is an entry in ClinVar:

ClinVar aggregate classification (germline): Uncertain significance. Review status: criteria provided, multiple submitters, no conflicts (2 of 4 stars). 4 submissions from 4 submitters: Uncertain significance (4). Last evaluated 2022-03-11.

Conditions:
Osteogenesis imperfecta type 10 (OI10). Also called: OI, TYPE X. Identifiers: Orphanet 666, MedGen C3151211, MONDO:0013459, OMIM 613848.

Allele frequency attached by ClinVar (database versions not stated): gnomAD 0.00005; TOPMed 0.00006.

Submissions (4):

Labcorp Genetics (formerly Invitae), Labcorp
Classification: Uncertain significance. Last evaluated: 2022-03-11. Review status: criteria provided, single submitter. Criteria: Invitae Variant Classification Sherloc (09022015). Collection method: clinical testing. Allele origin: germline.
Comment: This sequence change replaces glycine, which is neutral and non-polar, with glycine, which is neutral and non-polar, at codon 112 of the SERPINH1 protein (Silent). This variant is present in population databases (rs775801195, gnomAD 0.004%). This variant has not been reported in the literature in individuals affected with SERPINH1-related conditions. ClinVar contains an entry for this variant (Variation ID: 306098). Algorithms developed to predict the effect of sequence changes on RNA splicing suggest that this variant is not likely to affect RNA splicing. In summary, the available evidence is currently insufficient to determine the role of this variant in disease. Therefore, it has been classified as a Variant of Uncertain Significance.

Illumina Laboratory Services, Illumina
Classification: Uncertain significance for Osteogenesis imperfecta type 10. Last evaluated: 2018-01-12. Review status: criteria provided, single submitter. Criteria: ICSL Variant Classification Criteria 13 December 2019. Collection method: clinical testing. Allele origin: germline.

ARUP Laboratories, Molecular Genetics and Genomics, ARUP Laboratories
Classification: Uncertain significance. Last evaluated: 2017-10-04. Review status: criteria provided, single submitter. Criteria: ARUP Molecular Germline Variant Investigation Process. Collection method: clinical testing. Allele origin: germline.

Breakthrough Genomics
Classification: Uncertain significance. Review status: criteria provided, single submitter. Criteria: ACMG Guidelines, 2015. Collection method: not provided. Allele origin: germline. Inheritance: Autosomal recessive inheritance. Affected: yes.

NM_001235.5(SERPINH1):c.336C>T (p.Gly112=)

Gene: SERPINH1 (serpin family H member 1; plus strand). Cytogenetic location: 11q13.5.
Variant type: single nucleotide variant.
Coding change: c.336C>T on transcript NM_001235.5 (MANE Select); coding-DNA position 336, C replaced by T.
Protein change: p.Gly112=; no amino-acid change (glycine 112 retained).
Molecular consequence: synonymous variant.
Genome position (GRCh38, 1-based): chr11:75,566,685, C>T. VCF-style: chr11-75566685-C-T. GRCh37 (hg19) VCF-style: chr11-75277730-C-T.
Other names: c.336C>T, p.Gly112= (NM_001207014.3).
Identifiers: ClinVar variation 306098 (VCV000306098.15), dbSNP rs775801195, ClinGen allele CA6190780.